The following is an entry in ClinVar:

ClinVar aggregate classification (germline): Likely benign (0 of 4 stars; one submission).

Conditions:
BRCA2-related disorder. Also called: BRCA2-related disorders; BRCA2-related condition. Identifiers: MedGen CN239275.

Submission:

PreventionGenetics, part of Exact Sciences
Classification: Likely benign for BRCA2-related condition. Last evaluated: 2023-01-31. Review status: no assertion criteria provided. Collection method: clinical testing. Allele origin: germline.
Comment: This variant is classified as likely benign based on ACMG/AMP sequence variant interpretation guidelines (Richards et al. 2015 PMID: 25741868, with internal and published modifications).

NM_000059.4(BRCA2):c.5475A>G (p.Ala1825=)

Gene: BRCA2 (BRCA2 DNA repair associated; plus strand). Cytogenetic location: 13q13.1.
Variant type: single nucleotide variant.
Coding change: c.5475A>G on transcript NM_000059.4 (MANE Select); coding-DNA position 5475, A replaced by G.
Protein change: p.Ala1825=; no amino-acid change (alanine 1825 retained).
Molecular consequence: synonymous variant. On other transcripts: non-coding transcript variant (1), intron variant (2).
Genome position (GRCh38, 1-based): chr13:32,339,830, A>G. VCF-style: chr13-32339830-A-G. GRCh37 (hg19) VCF-style: chr13-32913967-A-G.
Other names: c.5475A>G, p.Ala1825= (NM_001406719.1, NM_001406720.1); c.1910-4728A>G (NM_001406721.1); c.425-4728A>G (NM_001406722.1).
Identifiers: ClinVar variation 3046848 (VCV003046848.2), dbSNP rs2137517867, ClinGen allele CA483438461.
Genomic context (GRCh38, chr13:32,339,830, plus strand): 5'-TGAAGATATTTGCGTTGAGGAACTTGTGACTAGCTCTTCACCCTGCAAAAATAAAAATGC[A>G]GCCATTAAATTGTCCATATCTAATAGTAATAATTTTGAGGTAGGGCCACCTGCATTTAGG-3'
Protein context (NP_000050.3, residues 1815-1835): TSSSPCKNKN[Ala1825=]AIKLSISNSN